The following is an entry in ClinVar:

ClinVar aggregate classification (germline): Uncertain significance (1 of 4 stars; one submission).

Conditions:
Inborn genetic diseases. Identifiers: MedGen C0950123, MeSH D030342.

Submission:

Ambry Genetics
Classification: Uncertain significance for Inborn genetic diseases. Last evaluated: 2024-09-11. Review status: criteria provided, single submitter. Criteria: Ambry Variant Classification Scheme 2023. Collection method: clinical testing. Allele origin: germline.
Comment: The p.E30K variant (also known as c.88G>A), located in coding exon 1 of the RTEL1 gene, results from a G to A substitution at nucleotide position 88. The glutamic acid at codon 30 is replaced by lysine, an amino acid with similar properties. This amino acid position is conserved. In addition, the in silico prediction for this alteration is inconclusive. Based on the available evidence, the clinical significance of this variant remains unclear.

NM_001283009.2(RTEL1):c.88G>A (p.Glu30Lys)

Genes: RTEL1 (regulator of telomere elongation helicase 1; plus strand), RTEL1-TNFRSF6B (RTEL1-TNFRSF6B readthrough (NMD candidate); plus strand). Cytogenetic location: 20q13.33.
Variant type: single nucleotide variant.
Coding change: c.88G>A on transcript NM_001283009.2 (MANE Select); coding-DNA position 88, G replaced by A.
Protein change: p.Glu30Lys; replaces glutamic acid 30 with lysine.
Molecular consequence: missense variant. On other transcripts: non-coding transcript variant (1), intron variant (1).
Genome position (GRCh38, 1-based): chr20:63,659,490, G>A. VCF-style: chr20-63659490-G-A. GRCh37 (hg19) VCF-style: chr20-62290843-G-A.
Other names: c.88G>A, p.Glu30Lys (NM_016434.4, NM_032957.5); c.-568+1031G>A (NM_001283010.1); short protein forms E30K.
Identifiers: ClinVar variation 3435922 (VCV003435922.1).
Genomic context (GRCh38, chr20:63,659,490, plus strand): 5'-ACCGTAGACTTCCCTTTCCAGCCCTACAAATGCCAACAGGAGTACATGACCAAGGTCCTG[G>A]AATGTCTGCAGCAGGTAGAGCACAGGCCCCGAGGAAAGGACTGCGGGTGGGTGGAGCTTC-3'
Protein context (NP_001269938.1, residues 20-40): CQQEYMTKVL[Glu30Lys]CLQQKVNGIL